The following is an entry in ClinVar:

NM_005502.4(ABCA1):c.1636A>G (p.Ile546Val)

Gene: ABCA1 (ATP binding cassette subfamily A member 1; minus strand). Cytogenetic location: 9q31.1.
Variant type: single nucleotide variant.
Coding change: c.1636A>G on transcript NM_005502.4 (MANE Select); coding-DNA position 1636, A replaced by G.
Protein change: p.Ile546Val; replaces isoleucine 546 with valine.
Molecular consequence: missense variant.
Genome position (GRCh38, 1-based): chr9:104,831,701, T>C on the plus strand (A>G on the coding strand, the complement: ABCA1 is on the minus strand). VCF-style: chr9-104831701-T-C. GRCh37 (hg19) VCF-style: chr9-107593982-T-C.
Other names: short protein forms I546V.
Identifiers: ClinVar variation 914473 (VCV000914473.4), dbSNP rs13306068, ClinGen allele CA5168963.

ClinVar aggregate classification (germline): Conflicting classifications of pathogenicity. Review status: criteria provided, conflicting classifications (1 of 4 stars). 2 submissions from 1 submitter: Uncertain significance (1); Benign (1). Last evaluated 2018-01-12.

Conditions:
Hypoalphalipoproteinemia, primary, 1. Identifiers: Orphanet 425, MedGen C5231558, MONDO:0011393, OMIM 604091.
Tangier disease (TGD). Also called: HIGH DENSITY LIPOPROTEIN DEFICIENCY, TANGIER TYPE; HIGH DENSITY LIPOPROTEIN DEFICIENCY, TYPE 1; Cholesterol thesaurismosis. Identifiers: Orphanet 31150, MedGen C0039292, MONDO:0008783, OMIM 205400.

Allele frequency attached by ClinVar (database versions not stated): gnomAD 0.00001; gnomAD exomes 0.00002 and 0.00007; TOPMed 0.00003; ExAC 0.00008.
gnomAD v4.1: 37 of 1,613,914 alleles (0.0023%); highest among the groups gnomAD compares: East Asian, 0.082%; no homozygotes.

Submissions (2):

Illumina Laboratory Services, Illumina
Classification: Uncertain significance for Tangier disease. Last evaluated: 2018-01-12. Review status: criteria provided, single submitter. Criteria: ICSL Variant Classification Criteria 13 December 2019. Collection method: clinical testing. Allele origin: germline.

Illumina Laboratory Services, Illumina
Classification: Benign for Hypoalphalipoproteinemia, primary, 1. Last evaluated: 2018-01-12. Review status: criteria provided, single submitter. Criteria: ICSL Variant Classification Criteria 13 December 2019. Collection method: clinical testing. Allele origin: germline.
Comment: This variant was observed in the ICSL laboratory as part of a predisposition screen in an ostensibly healthy population. It had not been previously curated by ICSL or reported in the Human Gene Mutation Database (HGMD: prior to June 1st, 2018), and was therefore a candidate for classification through an automated scoring system. Utilizing variant allele frequency, disease prevalence and penetrance estimates, and inheritance mode, an automated score was calculated to assess if this variant is too frequent to cause the disease. Based on the score and internal cut-off values, a variant classified as benign is not then subjected to further curation. The score for this variant resulted in a classification of benign for this disease.